The following is an entry in ClinVar:

NM_001365999.1(SZT2):c.3424A>C (p.Thr1142Pro)

Gene: SZT2 (SZT2 subunit of KICSTOR complex; plus strand). Cytogenetic location: 1p34.2.
Variant type: single nucleotide variant.
Coding change: c.3424A>C on transcript NM_001365999.1 (MANE Select); coding-DNA position 3424, A replaced by C.
Protein change: p.Thr1142Pro; replaces threonine 1142 with proline.
Molecular consequence: missense variant.
Genome position (GRCh38, 1-based): chr1:43,427,170, A>C. VCF-style: chr1-43427170-A-C. GRCh37 (hg19) VCF-style: chr1-43892841-A-C.
Other names: c.3253A>C, p.Thr1085Pro (NM_015284.4); short protein forms T1085P, T1142P.
Identifiers: ClinVar variation 3024395 (VCV003024395.2), dbSNP rs2545819030, ClinGen allele CA340017669.

ClinVar aggregate classification (germline): Uncertain significance (1 of 4 stars; one submission).

Conditions:
Developmental and epileptic encephalopathy, 18 (DEE18). Also called: Early infantile epileptic encephalopathy 18. Identifiers: Orphanet 369894, MedGen C3809624, MONDO:0014201, OMIM 615476.

Submission:

Institute of Human Genetics, University of Leipzig Medical Center
Classification: Uncertain significance for Developmental and epileptic encephalopathy, 18. Last evaluated: 2022-10-27. Review status: criteria provided, single submitter. Criteria: ACMG Guidelines, 2015. Collection method: clinical testing. Allele origin: maternal. Inheritance: Autosomal recessive inheritance. Affected: yes.
Comment: Criteria applied: PM3,PM2_SUP,PP3; Identified as compund heterozygous with NM_001365999.1:c.8659C>T